The following is an entry in ClinVar:

NM_001253697.2(ERBIN):c.1909A>G (p.Thr637Ala)

Gene: ERBIN (erbb2 interacting protein; plus strand). Cytogenetic location: 5q12.3.
Variant type: single nucleotide variant.
Coding change: c.1909A>G on transcript NM_001253697.2 (MANE Select); coding-DNA position 1909, A replaced by G.
Protein change: p.Thr637Ala; replaces threonine 637 with alanine.
Molecular consequence: missense variant.
Genome position (GRCh38, 1-based): chr5:66,050,788, A>G. VCF-style: chr5-66050788-A-G. GRCh37 (hg19) VCF-style: chr5-65346616-A-G.
Other names: c.1909A>G, p.Thr637Ala (NM_001006600.3, NM_001253698.2, NM_001253699.2 and 1 more transcripts); c.1897A>G, p.Thr633Ala (NM_001253701.2); short protein forms T633A, T637A.
Identifiers: ClinVar variation 4777354 (VCV004777354.1).

ClinVar aggregate classification (germline): Uncertain significance (1 of 4 stars; one submission).

gnomAD v4.1: 2 of 1,541,676 alleles (0.00013%); highest among the groups gnomAD compares: Admixed American, 0.0045%; no homozygotes.

Submission:

Labcorp Genetics (formerly Invitae), Labcorp
Classification: Uncertain significance. Last evaluated: 2025-07-10. Review status: criteria provided, single submitter. Criteria: Invitae Variant Classification Sherloc (09022015). Collection method: clinical testing. Allele origin: germline.
Comment: This sequence change replaces threonine, which is neutral and polar, with alanine, which is neutral and non-polar, at codon 637 of the ERBIN protein (p.Thr637Ala). This variant is present in population databases (no rsID available, gnomAD 0.01%). This variant has not been reported in the literature in individuals affected with ERBIN-related conditions. An algorithm developed to predict the effect of missense changes on protein structure and function outputs the following: PolyPhen-2: "Benign". The alanine amino acid residue is found in multiple mammalian species, which suggests that this missense change does not adversely affect protein function. In summary, the available evidence is currently insufficient to determine the role of this variant in disease. Therefore, it has been classified as a Variant of Uncertain Significance.